The following is an entry in ClinVar:

ClinVar aggregate classification (germline): Conflicting classifications of pathogenicity. Review status: criteria provided, conflicting classifications (1 of 4 stars). 3 submissions from 3 submitters: Likely pathogenic (2); Uncertain significance (1). Last evaluated 2024-06-06.

Conditions:
Autosomal recessive nonsyndromic hearing loss 8 (DFNB8). Also called: NEUROSENSORY NONSYNDROMIC RECESSIVE DEAFNESS 8; Deafness, autosomal recessive 10. Identifiers: Orphanet 90636, MedGen C1832827, MONDO:0010987, OMIM 601072.

Submissions (3):

Fulgent Genetics
Classification: Likely pathogenic for Autosomal recessive nonsyndromic hearing loss 8. Last evaluated: 2024-06-06. Review status: criteria provided, single submitter. Criteria: ACMG Guidelines, 2015. Collection method: clinical testing. Allele origin: germline.

Women's Health and Genetics/Laboratory Corporation of America, LabCorp
Classification: Uncertain significance. Last evaluated: 2024-05-31. Review status: criteria provided, single submitter. Criteria: LabCorp Variant Classification Summary - May 2015. Collection method: clinical testing. Allele origin: germline.
Comment: Variant summary: TMPRSS3 c.771C>G (p.His257Gln) results in a non-conservative amino acid change located in the Serine proteases, trypsin domain (IPR001254) of the encoded protein sequence. Five of five in-silico tools predict a damaging effect of the variant on protein function. The variant was absent in 251148 control chromosomes. c.771C>G has been reported in the literature as a compound heterozygous genotype in a setting of multi-gene panel testing in an individual affected with and with family history of hearing loss (e.g. Miyagawa_2015) or in a setting of exome sequencing in an individual affected with sensorineural hearing loss (e.g. Kim_2021). These data indicate that the variant may be associated with disease. To our knowledge, no experimental evidence demonstrating an impact on protein function has been reported. The following publications have been ascertained in the context of this evaluation (PMID: 34593925, 25770132). ClinVar contains an entry for this variant (Variation ID: 1705615). Based on the evidence outlined above, the variant was classified as VUS-possibly pathogenic.

3billion
Classification: Likely pathogenic for Autosomal recessive nonsyndromic hearing loss 8. Last evaluated: 2022-09-01. Review status: criteria provided, single submitter. Criteria: ACMG Guidelines, 2015. Collection method: clinical testing. Allele origin: germline. Affected: yes. Observed: 1 heterozygote.
Comment: The variant is not observed in the gnomAD v2.1.1 dataset. Missense changes are a common disease-causing mechanism. In silico tool predictions suggest damaging effect of the variant on gene or gene product (REVEL: 0.96; 3Cnet: 0.94). Different nucleotide change resulting in same amino acid change has been previously reported to be associated with TMPRSS3-related disorder (ClinVar ID: VCV000974621 / PMID: 25770132). The variant has been reported to be in trans with a pathogenic variant as either compound heterozygous or homozygous in at least one similarly affected unrelated individual (PMID: 25770132). Therefore, this variant is classified as Likely pathogenic according to the recommendation of ACMG/AMP guideline.

Literature cited by the submitters: PubMed 34593925 (cited by Women's Health and Genetics/Laboratory Corporation of America, LabCorp); PubMed 25770132 (cited by Women's Health and Genetics/Laboratory Corporation of America, LabCorp and 3billion).

NM_001256317.3(TMPRSS3):c.771C>G (p.His257Gln)

Gene: TMPRSS3 (transmembrane serine protease 3; minus strand). Cytogenetic location: 21q22.3.
Variant type: single nucleotide variant.
Coding change: c.771C>G on transcript NM_001256317.3 (MANE Select); coding-DNA position 771, C replaced by G.
Protein change: p.His257Gln; replaces histidine 257 with glutamine.
Molecular consequence: missense variant.
Genome position (GRCh38, 1-based): chr21:42,383,044, G>C on the plus strand (C>G on the coding strand, the complement: TMPRSS3 is on the minus strand). VCF-style: chr21-42383044-G-C. GRCh37 (hg19) VCF-style: chr21-43803153-G-C.
Other names: c.771C>G (NM_024022.3); c.771C>G, p.His257Gln (NM_024022.4, NM_032405.2); c.390C>G, p.His130Gln (NM_032404.3); short protein forms H130Q, H257Q.
Identifiers: ClinVar variation 1705615 (VCV001705615.3), dbSNP rs2052560214, ClinGen allele CA410373033.
Genomic context (GRCh38, chr21:42,383,044, plus strand): 5'-ATGACCCAGGAGTGAACAGGGGTCTGGGAAGATGGTCAGCAGCACTCACTCATAAACACA[G>C]TGTGCAGCAGTGATGATCCACAGGGGCGTGATGACAGAGCCCCCGCACAGGTGGTAGCCC-3'
Protein context (NP_001243246.1, residues 247-267): ITPLWIITAA[His257Gln]CVYDLYLPKS